The following is an entry in ClinVar:

ClinVar aggregate classification (germline): Likely benign. Review status: criteria provided, multiple submitters, no conflicts (2 of 4 stars). 3 submissions from 3 submitters: Likely benign (3). Last evaluated 2026-01-27.

Allele frequency attached by ClinVar (database versions not stated): ExAC 0.00003; gnomAD exomes 0.00003; gnomAD 0.00009 and 0.00010; TOPMed 0.00009; ESP Exome Variant Server 0.00015.
gnomAD v4.1: 29 of 1,605,354 alleles (0.0018%); highest among the groups gnomAD compares: African/African-American, 0.029%; no homozygotes.

Submissions (3):

Labcorp Genetics (formerly Invitae), Labcorp
Classification: Likely benign. Last evaluated: 2026-01-27. Review status: criteria provided, single submitter. Criteria: Invitae Variant Classification Sherloc (09022015). Collection method: clinical testing. Allele origin: germline.

Blueprint Genetics
Classification: Likely benign. Last evaluated: 2022-04-11. Review status: criteria provided, single submitter. Criteria: ACMG Guidelines, 2015. Collection method: clinical testing. Allele origin: germline.

GeneDx
Classification: Likely benign. Last evaluated: 2017-08-03. Review status: criteria provided, single submitter. Criteria: GeneDx Variant Classification (06012015). Collection method: clinical testing. Allele origin: germline. Affected: yes.
Comment: This variant is considered likely benign or benign based on one or more of the following criteria: it is a conservative change, it occurs at a poorly conserved position in the protein, it is predicted to be benign by multiple in silico algorithms, and/or has population frequency not consistent with disease.

NM_006231.4(POLE):c.6532-20C>T

Gene: POLE (DNA polymerase epsilon, catalytic subunit; minus strand). Cytogenetic location: 12q24.33.
Variant type: single nucleotide variant.
Coding change: c.6532-20C>T on transcript NM_006231.4 (MANE Select); 20 bases into the intron before coding-DNA position 6532, C replaced by T.
Molecular consequence: intron variant.
Genome position (GRCh38, 1-based): chr12:132,625,790, G>A on the plus strand (C>T on the coding strand, the complement: POLE is on the minus strand). VCF-style: chr12-132625790-G-A. GRCh37 (hg19) VCF-style: chr12-133202376-G-A.
Identifiers: ClinVar variation 383854 (VCV000383854.9), dbSNP rs367726448, ClinGen allele CA6892143.